The following is an entry in ClinVar:

ClinVar aggregate classification (germline): Pathogenic/Likely pathogenic. Review status: criteria provided, multiple submitters, no conflicts (2 of 4 stars). 4 submissions from 4 submitters: Pathogenic (2); Likely pathogenic (2). Last evaluated 2025-09-09.

Conditions:
Odonto-onycho-dermal dysplasia. Identifiers: Orphanet 2721, MedGen C0796093, MONDO:0009773, OMIM 257980.
Tooth agenesis, selective, 4 (STHAG4). Also called: SUCCEDANEOUS TEETH, AGENESIS OF; TOOTH AGENESIS, SELECTIVE, 4, WITH OR WITHOUT ECTODERMAL DYSPLASIA; LATERAL INCISORS, ABSENCE OF; LATERAL INCISORS, PEGGED OR MISSING. Identifiers: Orphanet 99798, MedGen C1835492, MONDO:0007881, OMIM 150400. Disease mechanism: loss of function.
Schöpf-Schulz-Passarge syndrome. Also called: ECCRINE TUMORS WITH ECTODERMAL DYSPLASIA; SchC6pf-Schulz-Passarge syndrome; KERATOSIS PALMOPLANTARIS WITH CYSTIC EYELIDS, HYPODONTIA, AND HYPOTRICHOSIS. Identifiers: Orphanet 50944, MedGen C1857069, MONDO:0009145, OMIM 224750.

Allele frequency attached by ClinVar (database versions not stated): gnomAD exomes below 0.00001; ExAC 0.00002.

Submissions (4):

Natera, Inc.
Classification: Likely pathogenic for Schopf-Schulz-Passarge syndrome. Last evaluated: 2025-09-09. Review status: criteria provided, single submitter. Criteria: Natera Variant Classification Schema (03/2026). Collection method: clinical testing. Allele origin: germline.
Comment: The c.1168G>T variant in WNT10A is a nonsense variant predicted to introduce a stop codon at amino acid 390. This variant is expected to result in nonsense mediated decay, truncation, or a dysfunctional protein product. This variant is rare in the general population with a frequency below the threshold expected for the associated phenotype(s). This variant has been observed in one or more individuals affected with the associated recessive disease, as either homozygous or compound heterozygous with a second variant (PMID: 24902757). Given the available evidence, this variant is classified as Likely Pathogenic.

Foundation for Research in Genetics and Endocrinology, FRIGE's Institute of Human Genetics
Classification: Pathogenic for Odonto-onycho-dermal dysplasia. Last evaluated: 2024-11-16. Review status: criteria provided, single submitter. Criteria: ACMG Guidelines, 2015. Collection method: clinical testing. Allele origin: germline. Inheritance: Autosomal recessive inheritance. Affected: yes. Observed: 1 homozygote.
Comment: A homozygous variant in exon 4 of the WNT10A gene that results in a premature truncation of the codon at 390 was detected. The observed variant c.1168G>T has not been reported in the 1000 genomes and has minor allele frequency of 0.0001% in the gnomAD database. The in silico prediction of the variant is damaging by MutationTaster2 and DANN. In summary, the variant meets our criteria to be classified as pathogenic.

GeneDx
Classification: Likely pathogenic. Last evaluated: 2024-09-20. Review status: criteria provided, single submitter. Criteria: GeneDx Variant Classification Process June 2021. Collection method: clinical testing. Allele origin: germline. Affected: yes.
Comment: Nonsense variant predicted to result in protein truncation, as the last 28 amino acid(s) are lost, and other loss-of-function variants have been reported downstream in HGMD; Not observed at significant frequency in large population cohorts (gnomAD); This variant is associated with the following publications: (PMID: 31468502, 24902757, Devi2023[Case Report])

Labcorp Genetics (formerly Invitae), Labcorp
Classification: Pathogenic for Tooth agenesis, selective, 4; Odonto-onycho-dermal dysplasia. Last evaluated: 2023-07-16. Review status: criteria provided, single submitter. Criteria: Invitae Variant Classification Sherloc (09022015). Collection method: clinical testing. Allele origin: germline.
Comment: This variant disrupts the C-terminus of the WNT10A protein. Other variant(s) that disrupt this region (p.Cys392*) have been observed in individuals with WNT10A-related conditions (PMID: 30569517). This suggests that this may be a clinically significant region of the protein. For these reasons, this variant has been classified as Pathogenic. ClinVar contains an entry for this variant (Variation ID: 378862). This premature translational stop signal has been observed in individual(s) with odontoonychodermal dysplasia (PMID: 24902757). The frequency data for this variant in the population databases is considered unreliable, as metrics indicate poor data quality at this position in the gnomAD database. This sequence change creates a premature translational stop signal (p.Glu390*) in the WNT10A gene. While this is not anticipated to result in nonsense mediated decay, it is expected to disrupt the last 28 amino acid(s) of the WNT10A protein.

Literature cited by the submitters: PubMed 24902757 (cited by Natera, Inc. and Labcorp Genetics (formerly Invitae), Labcorp); PubMed 30569517 (cited by Labcorp Genetics (formerly Invitae), Labcorp).

NM_025216.3(WNT10A):c.1168G>T (p.Glu390Ter)

Gene: WNT10A (Wnt family member 10A; plus strand). Cytogenetic location: 2q35.
Variant type: single nucleotide variant.
Coding change: c.1168G>T on transcript NM_025216.3 (MANE Select); coding-DNA position 1168, G replaced by T.
Protein change: p.Glu390Ter; replaces glutamic acid 390 with a stop codon.
Molecular consequence: nonsense.
Genome position (GRCh38, 1-based): chr2:218,893,185, G>T. VCF-style: chr2-218893185-G-T. GRCh37 (hg19) VCF-style: chr2-219757907-G-T.
Other names: p.Glu390Ter; short protein forms E390*.
Identifiers: ClinVar variation 378862 (VCV000378862.17), dbSNP rs750260671, ClinGen allele CA2114123.